The following is an entry in ClinVar:

NM_001204.7(BMPR2):c.1087C>G (p.Leu363Val)

Gene: BMPR2 (bone morphogenetic protein receptor type 2; plus strand). Cytogenetic location: 2q33.2.
Variant type: single nucleotide variant.
Coding change: c.1087C>G on transcript NM_001204.7 (MANE Select); coding-DNA position 1087, C replaced by G.
Protein change: p.Leu363Val; replaces leucine 363 with valine.
Molecular consequence: missense variant.
Genome position (GRCh38, 1-based): chr2:202,530,913, C>G. VCF-style: chr2-202530913-C-G. GRCh37 (hg19) VCF-style: chr2-203395636-C-G.
Other names: NM_001204.7(BMPR2):c.1087C>G; p.Leu363Val; short protein forms L363V.
Identifiers: ClinVar variation 1309924 (VCV001309924.9), dbSNP rs781018234, ClinGen allele CA2061285.

ClinVar aggregate classification (germline): Uncertain significance. Review status: reviewed by expert panel (3 of 4 stars). 5 submissions from 5 submitters: Uncertain significance (1). 4 of the submissions do not count toward it. Last evaluated 2024-04-30.

Conditions:
Pulmonary hypertension, primary, 1 (PPH1). Also called: Pulmonary hypertension, familial primary, 1, with or without HHT. Identifiers: Orphanet 422, MedGen C4552070, MONDO:0024533, OMIM 178600.
Pulmonary venoocclusive disease 1 (PVOD1). Also called: Pulmonary venoocclusive disease 1, autosomal dominant. Identifiers: Orphanet 31837, MedGen C3887658, MONDO:0020713, OMIM 265450.
Primary pulmonary hypertension. Also called: Idiopathic pulmonary hypertension. Identifiers: MedGen C0152171.
Inborn genetic diseases. Identifiers: MedGen C0950123, MeSH D030342.
Pulmonary arterial hypertension. Identifiers: Orphanet 182090, MedGen C2973725, MeSH D000081029, MONDO:0015924, HP:0002092.

Allele frequency attached by ClinVar (database versions not stated): gnomAD exomes below 0.00001; ExAC 0.00001.
gnomAD v4.1: 3 of 1,614,112 alleles (0.00019%); highest among the groups gnomAD compares: African/African-American, 0.0013%; no homozygotes.

Submissions (5):

Clingen Pulmonary Hypertension Variant Curation Expert Panel, ClinGen
Classification: Uncertain significance for Pulmonary arterial hypertension. Last evaluated: 2024-04-30. Review status: reviewed by expert panel. Criteria: ClinGen PH ACMG Specifications BMPR2 V1.1.0. Collection method: curation. Allele origin: germline. Inheritance: Autosomal dominant inheritance.
Comment: The BMPR2 c.1087C>G is a missense variant predicted to cause substitution of leucine to valine at amino acid position 363 ((p.(Leu363Val)). This variant is absent from gnomAD version2.1.1 controls and v3.1.2 (PM2_supporting met). The variant resides in the highly conserved protein kinase domain without functional evidence for a critical or non-critical role on protein function (PM1 met). The variant is predicted to have no effect on protein function with REVEL score of 0.24, which meets the threshold for BP4 (<0.25). There is another individual with the same variant in ClinVar but with insufficient evidence for a pulmonary arterial hypertension diagnosis. In summary, the variant meets the criteria to be classified as a variant of unknown significance (VUS) for pulmonary arterial hypertension based on the ACMG/AMP criteria applied, as specified by the ClinGen Pulmonary Hypertension VCEP: PM2_supporting, PM1, BP4 (VCEP specification version 1.1, 1/18/2024).

Ambry Genetics
Classification: Uncertain significance for Inborn genetic diseases. Last evaluated: 2025-02-09. Review status: criteria provided, single submitter. Criteria: Ambry Variant Classification Scheme 2023. Collection method: clinical testing. Allele origin: germline. Not counted in ClinVar's aggregate classification.
Comment: The p.L363V variant (also known as c.1087C>G), located in coding exon 8 of the BMPR2 gene, results from a C to G substitution at nucleotide position 1087. The leucine at codon 363 is replaced by valine, an amino acid with highly similar properties. This amino acid position is conserved. In addition, the in silico prediction for this alteration is inconclusive. Based on the available evidence, the clinical significance of this variant remains unclear.

Fulgent Genetics
Classification: Uncertain significance for Pulmonary hypertension, primary, 1; Pulmonary venoocclusive disease 1. Last evaluated: 2024-01-23. Review status: criteria provided, single submitter. Criteria: ACMG Guidelines, 2015. Collection method: clinical testing. Allele origin: germline. Not counted in ClinVar's aggregate classification.

Labcorp Genetics (formerly Invitae), Labcorp
Classification: Benign for Primary pulmonary hypertension. Last evaluated: 2022-02-08. Review status: criteria provided, single submitter. Criteria: Invitae Variant Classification Sherloc (09022015). Collection method: clinical testing. Allele origin: germline. Not counted in ClinVar's aggregate classification.

GeneDx
Classification: Uncertain significance. Last evaluated: 2019-10-29. Review status: criteria provided, single submitter. Criteria: GeneDx Variant Classification Process June 2021. Collection method: clinical testing. Allele origin: germline. Affected: yes. Not counted in ClinVar's aggregate classification.
Comment: Not observed at a significant frequency in large population cohorts (Lek et al., 2016); In silico analysis, which includes protein predictors and evolutionary conservation, supports that this variant does not alter protein structure/function; Has not been previously published as pathogenic or benign to our knowledge